The following is an entry in ClinVar:

NM_145068.4(TRPV3):c.2235C>T (p.His745=)

Gene: TRPV3 (transient receptor potential cation channel subfamily V member 3; minus strand). Cytogenetic location: 17p13.2.
Variant type: single nucleotide variant.
Coding change: c.2235C>T on transcript NM_145068.4 (MANE Select); coding-DNA position 2235, C replaced by T.
Protein change: p.His745=; no amino-acid change (histidine 745 retained).
Molecular consequence: synonymous variant.
Genome position (GRCh38, 1-based): chr17:3,514,636, G>A on the plus strand (C>T on the coding strand, the complement: TRPV3 is on the minus strand). VCF-style: chr17-3514636-G-A. GRCh37 (hg19) VCF-style: chr17-3417930-G-A.
Other names: c.2235C>T, p.His745= (NM_001258205.2).
Identifiers: ClinVar variation 890511 (VCV000890511.4), dbSNP rs746226070, ClinGen allele CA8289161.

ClinVar aggregate classification (germline): Benign (1 of 4 stars; one submission).

Conditions:
Isolated focal non-epidermolytic palmoplantar keratoderma. Also called: Palmoplantar keratoderma, nonepidermolytic, focal 2. Identifiers: Orphanet 448264, MedGen C4225339, MONDO:0014622, OMIM 616400.

Allele frequency attached by ClinVar (database versions not stated): gnomAD exomes 0.00002 and 0.00006; ExAC 0.00003; gnomAD 0.00003; TOPMed 0.00006.
gnomAD v4.1: 43 of 1,614,036 alleles (0.0027%); highest among the groups gnomAD compares: Middle Eastern, 0.017%; no homozygotes.

Submission:

Illumina Laboratory Services, Illumina
Classification: Benign for Isolated focal non-epidermolytic palmoplantar keratoderma. Last evaluated: 2018-01-13. Review status: criteria provided, single submitter. Criteria: ICSL Variant Classification Criteria 13 December 2019. Collection method: clinical testing. Allele origin: germline.
Comment: This variant was observed in the ICSL laboratory as part of a predisposition screen in an ostensibly healthy population. It had not been previously curated by ICSL or reported in the Human Gene Mutation Database (HGMD: prior to June 1st, 2018), and was therefore a candidate for classification through an automated scoring system. Utilizing variant allele frequency, disease prevalence and penetrance estimates, and inheritance mode, an automated score was calculated to assess if this variant is too frequent to cause the disease. Based on the score and internal cut-off values, a variant classified as benign is not then subjected to further curation. The score for this variant resulted in a classification of benign for this disease.